The following is an entry in ClinVar:

NM_015559.3(SETBP1):c.44G>T (p.Gly15Val)

Gene: SETBP1 (SET binding protein 1; plus strand). Cytogenetic location: 18q12.3.
Variant type: single nucleotide variant.
Coding change: c.44G>T on transcript NM_015559.3 (MANE Select); coding-DNA position 44, G replaced by T.
Protein change: p.Gly15Val; replaces glycine 15 with valine.
Molecular consequence: missense variant.
Genome position (GRCh38, 1-based): chr18:44,701,390, G>T. VCF-style: chr18-44701390-G-T. GRCh37 (hg19) VCF-style: chr18-42281355-G-T.
Other names: c.44G>T, p.Gly15Val (NM_001130110.2, NM_001379141.1, NM_001379142.1 and 1 more transcripts); short protein forms G15V.
Identifiers: ClinVar variation 2818800 (VCV002818800.3), dbSNP rs551453904, ClinGen allele CA8945318.
Genomic context (GRCh38, chr18:44,701,390, plus strand): 5'-AGACTGTAGAGATTGTCATGGAGTCCAGGGAAACCTTAAGCAGCTCCCGGCAAAGAGGGG[G>T]CGAGTCAGACTTCCTGCCGGTCTCCTCAGCCAAGCCCCCAGCTGCTCCTGGCTGTGCAGG-3'
Protein context (NP_056374.2, residues 5-25): ETLSSSRQRG[Gly15Val]ESDFLPVSSA

ClinVar aggregate classification (germline): Uncertain significance (1 of 4 stars; one submission).

Submission:

Labcorp Genetics (formerly Invitae), Labcorp
Classification: Uncertain significance. Last evaluated: 2022-12-05. Review status: criteria provided, single submitter. Criteria: Invitae Variant Classification Sherloc (09022015). Collection method: clinical testing. Allele origin: germline.
Comment: This sequence change replaces glycine, which is neutral and non-polar, with valine, which is neutral and non-polar, at codon 15 of the SETBP1 protein (p.Gly15Val). This variant is not present in population databases (gnomAD no frequency). This variant has not been reported in the literature in individuals affected with SETBP1-related conditions. Algorithms developed to predict the effect of missense changes on protein structure and function (SIFT, PolyPhen-2, Align-GVGD) all suggest that this variant is likely to be tolerated. In summary, the available evidence is currently insufficient to determine the role of this variant in disease. Therefore, it has been classified as a Variant of Uncertain Significance.